The following is an entry in ClinVar:

ClinVar aggregate classification (germline): Uncertain significance (1 of 4 stars; one submission).

Conditions:
Encephalopathy, acute, infection-induced (herpes-specific), susceptibility to, 1. Also called: Herpes simplex encephalitis, susceptibility to, 1. Identifiers: Orphanet 1930, MedGen C2750180, MONDO:0024563, OMIM 610551.

Allele frequency attached by ClinVar (database versions not stated): gnomAD exomes below 0.00001.
gnomAD v4.1: 2 of 1,614,176 alleles (0.00012%); highest among the groups gnomAD compares: Non-Finnish European, 0.00017%; no homozygotes.

Submission:

Labcorp Genetics (formerly Invitae), Labcorp
Classification: Uncertain significance for Encephalopathy, acute, infection-induced (herpes-specific), susceptibility to, 1. Last evaluated: 2022-04-25. Review status: criteria provided, single submitter. Criteria: Invitae Variant Classification Sherloc (09022015). Collection method: clinical testing. Allele origin: germline.
Comment: This variant is not present in population databases (gnomAD no frequency). This sequence change replaces serine, which is neutral and polar, with phenylalanine, which is neutral and non-polar, at codon 112 of the TLR3 protein (p.Ser112Phe). This variant has not been reported in the literature in individuals affected with TLR3-related conditions. In summary, the available evidence is currently insufficient to determine the role of this variant in disease. Therefore, it has been classified as a Variant of Uncertain Significance. Algorithms developed to predict the effect of missense changes on protein structure and function (SIFT, PolyPhen-2, Align-GVGD) all suggest that this variant is likely to be tolerated.

NM_003265.3(TLR3):c.335C>T (p.Ser112Phe)

Gene: TLR3 (toll like receptor 3; plus strand). Cytogenetic location: 4q35.1.
Variant type: single nucleotide variant.
Coding change: c.335C>T on transcript NM_003265.3 (MANE Select); coding-DNA position 335, C replaced by T.
Protein change: p.Ser112Phe; replaces serine 112 with phenylalanine.
Molecular consequence: missense variant.
Genome position (GRCh38, 1-based): chr4:186,076,954, C>T. VCF-style: chr4-186076954-C-T. GRCh37 (hg19) VCF-style: chr4-186998108-C-T.
Other names: short protein forms S112F.
Identifiers: ClinVar variation 2130615 (VCV002130615.4), dbSNP rs2478210921, ClinGen allele CA359107810.
Genomic context (GRCh38, chr4:186,076,954, plus strand): 5'-CAGAATTGTGCCAGAAACTTCCCATGTTAAAAGTTTTGAACCTCCAGCACAATGAGCTAT[C>T]TCAACTTTCTGATAAAACCTTTGCCTTCTGCACGAATTTGACTGAACTCCATCTCATGTC-3'
Protein context (NP_003256.1, residues 102-122): KVLNLQHNEL[Ser112Phe]QLSDKTFAFC